The following is an entry in ClinVar:

ClinVar aggregate classification (germline): Pathogenic. Review status: criteria provided, multiple submitters, no conflicts (2 of 4 stars). 3 submissions from 3 submitters: Pathogenic (3). Last evaluated 2025-03-13.

Conditions:
Cardiovascular phenotype. Identifiers: MedGen CN230736.
Telangiectasia, hereditary hemorrhagic, type 1 (HHT1). Also called: Osler Weber Rendu syndrome type 1; ENG-Related Hereditary Hemorrhagic Telangiectasia. Identifiers: Orphanet 774, MedGen C4551861, MONDO:0008535, OMIM 187300. Disease mechanism: loss of function.
Hereditary hemorrhagic telangiectasia (HHT). Also called: ORW DISEASE; Osler Weber Rendu syndrome; OSLER-RENDU-WEBER DISEASE; Osler hemorrhagic telangiectasia syndrome. Identifiers: Orphanet 774, MedGen C0039445, MONDO:0019180. Disease mechanism: loss of function.

Submissions (3):

Ambry Genetics
Classification: Pathogenic for Cardiovascular phenotype. Last evaluated: 2025-03-13. Review status: criteria provided, single submitter. Criteria: Ambry Variant Classification Scheme 2023. Collection method: clinical testing. Allele origin: germline.
Comment: The p.Y277* pathogenic mutation (also known as c.831C>A), located in coding exon 7 of the ENG gene, results from a C to A substitution at nucleotide position 831. This changes the amino acid from a tyrosine to a stop codon within coding exon 7. This variant is considered to be rare based on population cohorts in the Genome Aggregation Database (gnomAD). This alteration is expected to result in loss of function by premature protein truncation or nonsense-mediated mRNA decay. As such, this alteration is interpreted as a disease-causing mutation.

Labcorp Genetics (formerly Invitae), Labcorp
Classification: Pathogenic for Hereditary hemorrhagic telangiectasia. Last evaluated: 2023-11-22. Review status: criteria provided, single submitter. Criteria: Invitae Variant Classification Sherloc (09022015). Collection method: clinical testing. Allele origin: germline.
Comment: This sequence change creates a premature translational stop signal (p.Tyr277*) in the ENG gene. It is expected to result in an absent or disrupted protein product. Loss-of-function variants in ENG are known to be pathogenic (PMID: 15879500). This variant is not present in population databases (gnomAD no frequency). This variant has not been reported in the literature in individuals affected with ENG-related conditions. ClinVar contains an entry for this variant (Variation ID: 579302). For these reasons, this variant has been classified as Pathogenic.

Petrovsky National Research Centre of Surgery, The Federal Agency for Scientific Organizations
Classification: Pathogenic for Telangiectasia, hereditary hemorrhagic, type 1. Last evaluated: 2022-09-27. Review status: criteria provided, single submitter. Criteria: ACMG Guidelines, 2015. Collection method: clinical testing. Allele origin: germline. Inheritance: Autosomal dominant inheritance. Affected: yes. Observed: 1 heterozygote.
Comment: ClinVar contains an entry for this variant (Variation ID: 579302) observed in individual(s) with HHT. Loss-of-function variants in the ENG gene are known to be pathogenic (PMID: 15879500, 20656886, 22385575, 25312062, 30251589). This variant is not observed at significant frequency in large population cohorts (gnomAD, LOVD). We assume that the c.831C>A (p.Y277*) variant could be classified as Pathogenic.

Literature cited by the submitters: PubMed 15879500 (cited by Labcorp Genetics (formerly Invitae), Labcorp).

NM_001114753.3(ENG):c.831C>A (p.Tyr277Ter)

Gene: ENG (endoglin; minus strand). Cytogenetic location: 9q34.11.
Variant type: single nucleotide variant.
Coding change: c.831C>A on transcript NM_001114753.3 (MANE Select); coding-DNA position 831, C replaced by A.
Protein change: p.Tyr277Ter; replaces tyrosine 277 with a stop codon.
Molecular consequence: nonsense.
Genome position (GRCh38, 1-based): chr9:127,824,960, G>T on the plus strand (C>A on the coding strand, the complement: ENG is on the minus strand). VCF-style: chr9-127824960-G-T. GRCh37 (hg19) VCF-style: chr9-130587239-G-T.
Other names: p.Y277*; c.831C>A (NM_001114753.1); c.831C>A, p.Tyr277Ter (NM_000118.4, NM_001406715.1); c.285C>A, p.Tyr95Ter (NM_001278138.2); short protein forms Y277*, Y95*.
Identifiers: ClinVar variation 579302 (VCV000579302.11), dbSNP rs121918400, ClinGen allele CA374982821.